The following is an entry in ClinVar:

NM_001267550.2(TTN):c.65144G>T (p.Arg21715Leu)

Genes: TTN-AS1 (TTN antisense RNA 1; plus strand), TTN (titin; minus strand). Cytogenetic location: 2q31.2.
Variant type: single nucleotide variant.
Coding change: c.65144G>T on transcript NM_001267550.2 (MANE Select); coding-DNA position 65144, G replaced by T.
Protein change: p.Arg21715Leu; replaces arginine 21715 with leucine.
Molecular consequence: missense variant.
Genome position (GRCh38, 1-based): chr2:178,584,407, C>A on the plus strand (G>T on the coding strand, the complement: TTN is on the minus strand). VCF-style: chr2-178584407-C-A. GRCh37 (hg19) VCF-style: chr2-179449134-C-A.
Other names: p.R20074L:CGG>CTG; c.60221G>T, p.Arg20074Leu (NM_001256850.1); c.37949G>T, p.Arg12650Leu (NM_003319.4); c.57440G>T, p.Arg19147Leu (NM_133378.4); c.38324G>T, p.Arg12775Leu (NM_133432.3); c.38525G>T, p.Arg12842Leu (NM_133437.4); short protein forms R20074L, R21715L, R19147L, R12775L, R12842L, R12650L.
Identifiers: ClinVar variation 202793 (VCV000202793.11), dbSNP rs368450785, ClinGen allele CA310307.

ClinVar aggregate classification (germline): Conflicting classifications of pathogenicity. Review status: criteria provided, conflicting classifications (1 of 4 stars). 10 submissions from 6 submitters: Uncertain significance (8); Benign (1); Likely benign (1). Last evaluated 2026-04-08.

Conditions:
TTN-related disorder. Also called: TTN-related condition; TTN-related disease; TTN-related disorders.
Dilated cardiomyopathy 1G (CMD1G). Identifiers: Orphanet 154, MedGen C1858763, MONDO:0011400, OMIM 604145.
Autosomal recessive limb-girdle muscular dystrophy type 2J (LGMDR10). Also called: Limb-girdle muscular dystrophy, type 2J; MUSCULAR DYSTROPHY, LIMB-GIRDLE, AUTOSOMAL RECESSIVE 10. Identifiers: Orphanet 140922, MedGen C1837342, MONDO:0012127, OMIM 608807.
Early-onset myopathy with fatal cardiomyopathy (CMYO5). Also called: Salih Myopathy; CONGENITAL MYOPATHY 5 WITH CARDIOMYOPATHY. Identifiers: Orphanet 289377, MedGen C2673677, MONDO:0012714, OMIM 611705. Disease mechanism: loss of function.
Myopathy, myofibrillar, 9, with early respiratory failure (MFM9). Also called: Myopathy, distal, with early respiratory failure, autosomal dominant; MYOPATHY, PROXIMAL, WITH EARLY RESPIRATORY MUSCLE INVOLVEMENT; Hereditary myopathy with early respiratory failure; EDSTROM MYOPATHY. Identifiers: Orphanet 178464, Orphanet 34521, MedGen C1863599, MONDO:0011362, OMIM 603689.
Tibial muscular dystrophy (TMD). Also called: Tibial muscular dystrophy, tardive; Udd Distal Myopathy – Tibial Muscular Dystrophy; UDD MYOPATHY. Identifiers: Orphanet 609, MedGen C1838244, MONDO:0010870, OMIM 600334.

Allele frequency attached by ClinVar (database versions not stated): gnomAD 0.00003; TOPMed 0.00006; ESP Exome Variant Server 0.00016.
gnomAD v4.1: 130 of 1,613,112 alleles (0.0081%); highest among the groups gnomAD compares: Admixed American, 0.013%; no homozygotes.

Submissions (10):

PreventionGenetics, part of Exact Sciences
Classification: Uncertain significance for TTN-related condition. Last evaluated: 2026-04-08. Review status: criteria provided, single submitter. Criteria: ACMG Guidelines, 2015. Collection method: clinical testing. Allele origin: germline.
Comment: The TTN c.65144G>T variant is predicted to result in the amino acid substitution p.Arg21715Leu. This variant has been reported as a variant of uncertain significance in a noncompaction cardiomyopathy cohort (Online Table 3, van Waning et al. 2018. PubMed ID: 29447731). This variant is reported in 0.013% of alleles in individuals of European (Non-Finnish) descent in gnomAD. At this time, the clinical significance of this variant is uncertain due to the absence of conclusive functional and genetic evidence.

Women's Health and Genetics/Laboratory Corporation of America, LabCorp
Classification: Uncertain significance. Last evaluated: 2025-07-23. Review status: criteria provided, single submitter. Criteria: LabCorp Variant Classification Summary - May 2015. Collection method: clinical testing. Allele origin: germline.
Comment: Variant summary: TTN c.57440G>T (p.Arg19147Leu) results in a non-conservative amino acid change in the encoded protein sequence. Algorithms developed to predict the effect of missense changes on protein structure and function are either unavailable or do not agree on the potential impact of this missense change. The variant allele was found at a frequency of 7.3e-05 in 248206 control chromosomes. This frequency is not significantly higher than estimated for a pathogenic variant in TTN causing Autosomal Recessive Titinopathy (7.3e-05 vs 0.00039), allowing no conclusion about variant significance. c.57440G>T has been observed in at least one individual affected with noncompaction cardiomyopathy without strong evidence for causality (e.g van Waning_2018). This report does not provide unequivocal conclusions about association of the variant with Autosomal Recessive Titinopathy. To our knowledge, no experimental evidence demonstrating an impact on protein function has been reported. The following publication has been ascertained in the context of this evaluation (PMID: 29447731). ClinVar contains an entry for this variant (Variation ID: 202793). Based on the evidence outlined above, the variant was classified as uncertain significance.

Revvity Omics, Revvity
Classification: Uncertain significance. Last evaluated: 2022-06-14. Review status: criteria provided, single submitter. Criteria: ACMG Guidelines, 2015. Collection method: clinical testing. Allele origin: germline.

Illumina Laboratory Services, Illumina
Classification: Uncertain significance for Early-onset myopathy with fatal cardiomyopathy. Last evaluated: 2018-01-13. Review status: criteria provided, single submitter. Criteria: ICSL Variant Classification Criteria 13 December 2019. Collection method: clinical testing. Allele origin: germline.

Illumina Laboratory Services, Illumina
Classification: Uncertain significance for Dilated cardiomyopathy 1G. Last evaluated: 2018-01-13. Review status: criteria provided, single submitter. Criteria: ICSL Variant Classification Criteria 13 December 2019. Collection method: clinical testing. Allele origin: germline.

Illumina Laboratory Services, Illumina
Classification: Benign for Tibial muscular dystrophy. Last evaluated: 2018-01-13. Review status: criteria provided, single submitter. Criteria: ICSL Variant Classification Criteria 13 December 2019. Collection method: clinical testing. Allele origin: germline.
Comment: This variant was observed in the ICSL laboratory as part of a predisposition screen in an ostensibly healthy population. It had not been previously curated by ICSL or reported in the Human Gene Mutation Database (HGMD: prior to June 1st, 2018), and was therefore a candidate for classification through an automated scoring system. Utilizing variant allele frequency, disease prevalence and penetrance estimates, and inheritance mode, an automated score was calculated to assess if this variant is too frequent to cause the disease. Based on the score and internal cut-off values, a variant classified as benign is not then subjected to further curation. The score for this variant resulted in a classification of benign for this disease.

Illumina Laboratory Services, Illumina
Classification: Uncertain significance for Autosomal recessive limb-girdle muscular dystrophy type 2J. Last evaluated: 2018-01-13. Review status: criteria provided, single submitter. Criteria: ICSL Variant Classification Criteria 13 December 2019. Collection method: clinical testing. Allele origin: germline.

Illumina Laboratory Services, Illumina
Classification: Likely benign for Myopathy, myofibrillar, 9, with early respiratory failure. Last evaluated: 2018-01-13. Review status: criteria provided, single submitter. Criteria: ICSL Variant Classification Criteria 13 December 2019. Collection method: clinical testing. Allele origin: germline.
Comment: This variant was observed in the ICSL laboratory as part of a predisposition screen in an ostensibly healthy population. It had not been previously curated by ICSL or reported in the Human Gene Mutation Database (HGMD: prior to June 1st, 2018), and was therefore a candidate for classification through an automated scoring system. Utilizing variant allele frequency, disease prevalence and penetrance estimates, and inheritance mode, an automated score was calculated to assess if this variant is too frequent to cause the disease. Based on the score and internal cut-off values, a variant classified as likely benign is not then subjected to further curation. The score for this variant resulted in a classification of likely benign for this disease.

GeneDx
Classification: Uncertain significance. Last evaluated: 2017-03-23. Review status: criteria provided, single submitter. Criteria: GeneDx Variant Classification (06012015). Collection method: clinical testing. Allele origin: germline. Affected: yes.
Comment: Missense variants in the TTN gene are considered 'unclassified' if they are not previously reported in the literature and do not have >1% frequency in the population to be considered a polymorphism. Research indicates that truncating variants in the TTN gene are expected to account for approximately 25% of familial and 18% of sporadic idiopathic DCM; however, truncating variants in the TTN gene have been reported in approximately 3% of reported control alleles. There has been little investigation into non-truncating variants. (Herman D et al. Truncations of titin causing dilated cardiomyopathy. N Eng J Med 366:619-628, 2012). Therefore, based on the currently available information, it is unclear whether this variant is a pathogenic variant or a rare benign variant.

Labcorp Genetics (formerly Invitae), Labcorp
Classification: Uncertain significance for Dilated cardiomyopathy 1G; Autosomal recessive limb-girdle muscular dystrophy type 2J. Last evaluated: 2016-10-25. Review status: criteria provided, single submitter. Criteria: Invitae Variant Classification Sherloc (09022015). Collection method: clinical testing. Allele origin: germline.

Literature cited by the submitters: PubMed 29447731 (cited by Women's Health and Genetics/Laboratory Corporation of America, LabCorp).